The following is an entry in ClinVar:

ClinVar aggregate classification (germline): Likely benign (1 of 4 stars; one submission).

Allele frequency attached by ClinVar (database versions not stated): 1000 Genomes Project 0.00459; TOPMed 0.00795; gnomAD 0.00786 and 0.00840; 1000 Genomes Project 30x 0.00547.
gnomAD v4.1: 1,249 of 151,286 alleles (0.83%); highest among the groups gnomAD compares: Middle Eastern, 1.4%; 10 homozygotes.

Submissions (2):

GeneDx
Classification: Likely benign. Last evaluated: 2018-06-14. Review status: criteria provided, single submitter. Criteria: GeneDx Variant Classification (06012015). Collection method: clinical testing. Allele origin: germline. Affected: yes.
Comment: This variant is considered likely benign or benign based on one or more of the following criteria: it is a conservative change, it occurs at a poorly conserved position in the protein, it is predicted to be benign by multiple in silico algorithms, and/or has population frequency not consistent with disease.

Dr. Peter K. Rogan Lab, Western University
No classification provided (evidence only). Condition: Ovarian serous cystadenocarcinoma. Review status: no classification provided. Collection method: in vitro. Allele origin: not applicable. Functional consequence: retained intron. Not counted in ClinVar's aggregate classification.

NM_001040151.2(SCN3B):c.220-281A>G

Gene: SCN3B (sodium voltage-gated channel beta subunit 3; minus strand). Cytogenetic location: 11q24.1.
Variant type: single nucleotide variant.
Coding change: c.220-281A>G on transcript NM_001040151.2 (MANE Select); 281 bases into the intron before coding-DNA position 220, A replaced by G.
Molecular consequence: intron variant.
Genome position (GRCh38, 1-based): chr11:123,642,952, T>C on the plus strand (A>G on the coding strand, the complement: SCN3B is on the minus strand). VCF-style: chr11-123642952-T-C. GRCh37 (hg19) VCF-style: chr11-123513660-T-C.
Other names: NC_000011.9:g.123513660T>C; c.220-281A>G (NM_018400.4).
Identifiers: ClinVar variation 669619 (VCV000669619.2), dbSNP rs72552169, ClinGen allele CA229984386.